The following is an entry in ClinVar:

NM_022168.4(IFIH1):c.2778G>A (p.Met926Ile)

Gene: IFIH1 (interferon induced with helicase C domain 1; minus strand). Cytogenetic location: 2q24.2.
Variant type: single nucleotide variant.
Coding change: c.2778G>A on transcript NM_022168.4 (MANE Select); coding-DNA position 2778, G replaced by A.
Protein change: p.Met926Ile; replaces methionine 926 with isoleucine.
Molecular consequence: missense variant.
Genome position (GRCh38, 1-based): chr2:162,268,116, C>T on the plus strand (G>A on the coding strand, the complement: IFIH1 is on the minus strand). VCF-style: chr2-162268116-C-T. GRCh37 (hg19) VCF-style: chr2-163124626-C-T.
Other names: short protein forms M926I.
Identifiers: ClinVar variation 2070953 (VCV002070953.4), dbSNP rs781632751, ClinGen allele CA1934082.

ClinVar aggregate classification (germline): Uncertain significance (1 of 4 stars; one submission).

Conditions:
Aicardi-Goutieres syndrome 7 (AGS7). Identifiers: Orphanet 51, MedGen C3888244, MONDO:0014367, OMIM 615846.
Singleton-Merten syndrome 1 (SGMRT1). Also called: Widened medullary cavities of bone, aortic calcification, abnormal dentition, and muscular weakness; Syndrome of widened medullary cavities of the metacarpals and phalanges, aortic calcification and abnormal dentition. Identifiers: Orphanet 85191, MedGen C4225427, MONDO:0024535, OMIM 182250.

Allele frequency attached by ClinVar (database versions not stated): gnomAD exomes below 0.00001; TOPMed below 0.00001; ExAC 0.00001.
gnomAD v4.1: 4 of 1,606,852 alleles (0.00025%); highest among the groups gnomAD compares: East Asian, 0.0067%; no homozygotes.

Submission:

Labcorp Genetics (formerly Invitae), Labcorp
Classification: Uncertain significance for Aicardi-Goutieres syndrome 7; Singleton-Merten syndrome 1. Last evaluated: 2025-10-01. Review status: criteria provided, single submitter. Criteria: Invitae Variant Classification Sherloc (09022015). Collection method: clinical testing. Allele origin: germline.
Comment: This sequence change replaces methionine, which is neutral and non-polar, with isoleucine, which is neutral and non-polar, at codon 926 of the IFIH1 protein (p.Met926Ile). This variant is present in population databases (rs781632751, gnomAD 0.01%). This variant has not been reported in the literature in individuals affected with IFIH1-related conditions. ClinVar contains an entry for this variant (Variation ID: 2070953). Invitae Evidence Modeling of protein sequence and biophysical properties (such as structural, functional, and spatial information, amino acid conservation, physicochemical variation, residue mobility, and thermodynamic stability) has been performed for this missense variant. However, the output from this modeling did not meet the statistical confidence thresholds required to predict the impact of this variant on IFIH1 protein function. In summary, the available evidence is currently insufficient to determine the role of this variant in disease. Therefore, it has been classified as a Variant of Uncertain Significance.